The following is an entry in ClinVar:

NM_001009999.3(KDM1A):c.194C>T (p.Pro65Leu)

Gene: KDM1A (lysine demethylase 1A; plus strand). Cytogenetic location: 1p36.12.
Variant type: single nucleotide variant.
Coding change: c.194C>T on transcript NM_001009999.3 (MANE Select); coding-DNA position 194, C replaced by T.
Protein change: p.Pro65Leu; replaces proline 65 with leucine.
Molecular consequence: missense variant.
Genome position (GRCh38, 1-based): chr1:23,019,790, C>T. VCF-style: chr1-23019790-C-T. GRCh37 (hg19) VCF-style: chr1-23346283-C-T.
Other names: c.194C>T, p.Pro65Leu (NM_001363654.2, NM_001410762.1, NM_001410763.1 and 1 more transcripts); short protein forms P65L.
Identifiers: ClinVar variation 3863259 (VCV003863259.1).

ClinVar aggregate classification (germline): Uncertain significance (1 of 4 stars; one submission).

Conditions:
Inborn genetic diseases. Identifiers: MedGen C0950123, MeSH D030342.

gnomAD v4.1: 2 of 1,381,848 alleles (0.00014%); highest among the groups gnomAD compares: South Asian, 0.0034%; no homozygotes.

Submission:

Ambry Genetics
Classification: Uncertain significance for Inborn genetic diseases. Last evaluated: 2025-01-09. Review status: criteria provided, single submitter. Criteria: Ambry Variant Classification Scheme 2023. Collection method: clinical testing. Allele origin: germline.
Comment: The p.P65L variant (also known as c.194C>T), located in coding exon 1 of the KDM1A gene, results from a C to T substitution at nucleotide position 194. The proline at codon 65 is replaced by leucine, an amino acid with similar properties. This amino acid position is conserved. In addition, this alteration is predicted to be tolerated by in silico analysis. Based on the available evidence, the clinical significance of this variant remains unclear.